The following is an entry in ClinVar:

ClinVar aggregate classification (germline): Uncertain significance (1 of 4 stars; one submission).

Allele frequency attached by ClinVar (database versions not stated): gnomAD 0.00003; ESP Exome Variant Server 0.00008; gnomAD exomes below 0.00001; ExAC 0.00001; TOPMed 0.00002.
gnomAD v4.1: 8 of 1,613,820 alleles (0.0005%); highest among the groups gnomAD compares: African/African-American, 0.0053%; no homozygotes.

Submission:

Labcorp Genetics (formerly Invitae), Labcorp
Classification: Uncertain significance. Last evaluated: 2025-04-29. Review status: criteria provided, single submitter. Criteria: Invitae Variant Classification Sherloc (09022015). Collection method: clinical testing. Allele origin: germline.
Comment: This sequence change creates a premature translational stop signal (p.Cys51*) in the SLC10A2 gene. It is expected to result in an absent or disrupted protein product. However, the current clinical and genetic evidence is not sufficient to establish whether loss-of-function variants in SLC10A2 cause disease. This variant is present in population databases (rs371937386, gnomAD 0.01%). This variant has not been reported in the literature in individuals affected with SLC10A2-related conditions. ClinVar contains an entry for this variant (Variation ID: 2872682). In summary, the available evidence is currently insufficient to determine the role of this variant in disease. Therefore, it has been classified as a Variant of Uncertain Significance.

NM_000452.3(SLC10A2):c.153C>A (p.Cys51Ter)

Gene: SLC10A2 (solute carrier family 10 member 2; minus strand). Cytogenetic location: 13q33.1.
Variant type: single nucleotide variant.
Coding change: c.153C>A on transcript NM_000452.3 (MANE Select); coding-DNA position 153, C replaced by A.
Protein change: p.Cys51Ter; replaces cysteine 51 with a stop codon.
Molecular consequence: nonsense.
Genome position (GRCh38, 1-based): chr13:103,066,097, G>T on the plus strand (C>A on the coding strand, the complement: SLC10A2 is on the minus strand). VCF-style: chr13-103066097-G-T. GRCh37 (hg19) VCF-style: chr13-103718447-G-T.
Other names: short protein forms C51*.
Identifiers: ClinVar variation 2872682 (VCV002872682.3), dbSNP rs371937386, ClinGen allele CA7042331.